The following is an entry in ClinVar:

ClinVar aggregate classification (germline): Uncertain significance (1 of 4 stars; one submission).

Conditions:
Chuvash polycythemia. Also called: POLYCYTHEMIA, VHL-DEPENDENT. Identifiers: Orphanet 238557, MedGen C1837915, MONDO:0009892, OMIM 263400.
Von Hippel-Lindau syndrome (VHLS). Also called: VHL syndrome; von Hippel–Lindau syndrome; Von Hippel-Lindau. Identifiers: Orphanet 892, MedGen C0019562, MONDO:0008667, OMIM 193300. Disease mechanism: loss of function.

Submission:

Labcorp Genetics (formerly Invitae), Labcorp
Classification: Uncertain significance for Von Hippel-Lindau syndrome; Chuvash polycythemia. Last evaluated: 2022-06-13. Review status: criteria provided, single submitter. Criteria: Invitae Variant Classification Sherloc (09022015). Collection method: clinical testing. Allele origin: germline.
Comment: This variant results in a copy number gain of the genomic region encompassing exon(s) 1 of the VHL gene. This region includes the initiator codon of the gene. This copy number gain extends beyond the assayed region for this gene and therefore may encompass additional genes. As the precise location of this event is unknown, it may be in tandem or it may be located elsewhere in the genome. This variant has not been reported in the literature in individuals affected with VHL-related conditions. Experimental studies and prediction algorithms are not available or were not evaluated, and the functional significance of this variant is currently unknown. In summary, the available evidence is currently insufficient to determine the role of this variant in disease. Therefore, it has been classified as a Variant of Uncertain Significance.

NC_000003.11:g.(?_10103825)_(10184708_?)dup

Genes: BRK1 (BRICK1 subunit of SCAR/WAVE actin nucleating complex; plus strand), FANCD2 (FA complementation group D2; plus strand), FANCD2OS (FANCD2 opposite strand; minus strand), VHL (von Hippel-Lindau tumor suppressor; plus strand). Cytogenetic location: 3p25.3.
Variant type: Duplication.
Identifiers: ClinVar variation 1010433 (VCV001010433.2).